The following is an entry in ClinVar:

ClinVar aggregate classification (germline): Pathogenic (1 of 4 stars; one submission).

Conditions:
Sulfite oxidase deficiency due to molybdenum cofactor deficiency type C. Also called: Molybdenum cofactor deficiency, complementation group C; Molybdenum cofactor deficiency C. Identifiers: Orphanet 308400, Orphanet 833, MedGen C1854990, MONDO:0014212, OMIM 615501.

Submission:

Labcorp Genetics (formerly Invitae), Labcorp
Classification: Pathogenic for Sulfite oxidase deficiency due to molybdenum cofactor deficiency type C. Last evaluated: 2024-03-07. Review status: criteria provided, single submitter. Criteria: Invitae Variant Classification Sherloc (09022015). Collection method: clinical testing. Allele origin: germline.
Comment: This sequence change creates a premature translational stop signal (p.Lys612*) in the GPHN gene. It is expected to result in an absent or disrupted protein product. Loss-of-function variants in GPHN are known to be pathogenic (PMID: 11095995, 23184456, 23393157, 24561070, 26613940). This variant is not present in population databases (gnomAD no frequency). This variant has not been reported in the literature in individuals affected with GPHN-related conditions. For these reasons, this variant has been classified as Pathogenic.

Literature cited by the submitters: PubMed 11095995; PubMed 23184456; PubMed 23393157; PubMed 24561070; PubMed 26613940.

NM_020806.5(GPHN):c.1834A>T (p.Lys612Ter)

Gene: GPHN (gephyrin; plus strand). Cytogenetic location: 14q23.3.
Variant type: single nucleotide variant.
Coding change: c.1834A>T on transcript NM_020806.5 (MANE Select); coding-DNA position 1834, A replaced by T.
Protein change: p.Lys612Ter; replaces lysine 612 with a stop codon.
Molecular consequence: nonsense.
Genome position (GRCh38, 1-based): chr14:67,143,447, A>T. VCF-style: chr14-67143447-A-T. GRCh37 (hg19) VCF-style: chr14-67610164-A-T.
Other names: c.1735A>T, p.Lys579Ter (NM_001024218.2); c.1894A>T, p.Lys632Ter (NM_001377514.1); c.1864A>T, p.Lys622Ter (NM_001377515.1); c.1855A>T, p.Lys619Ter (NM_001377516.1); c.1807A>T, p.Lys603Ter (NM_001377517.1); c.1792A>T, p.Lys598Ter (NM_001377518.1); c.1774A>T, p.Lys592Ter (NM_001377519.1); short protein forms K632*, K598*, K612*, K592*, K619*, K622*, K579*, K603*.
Identifiers: ClinVar variation 2769270 (VCV002769270.3), dbSNP rs2543888962, ClinGen allele CA390259672.